The following is an entry in ClinVar:

ClinVar aggregate classification (germline): Conflicting classifications of pathogenicity. Review status: criteria provided, conflicting classifications (1 of 4 stars). 2 submissions from 2 submitters: Uncertain significance (1); Likely benign (1). Last evaluated 2025-09-21.

Allele frequency attached by ClinVar (database versions not stated): ExAC 0.00001; gnomAD exomes 0.00001; gnomAD 0.00006; TOPMed 0.00014.
gnomAD v4.1: 22 of 1,208,448 alleles (0.0018%); highest among the groups gnomAD compares: African/African-American, 0.0088%; no homozygotes.

Submissions (2):

Labcorp Genetics (formerly Invitae), Labcorp
Classification: Uncertain significance. Last evaluated: 2025-09-21. Review status: criteria provided, single submitter. Criteria: Invitae Variant Classification Sherloc (09022015). Collection method: clinical testing. Allele origin: germline.
Comment: This sequence change replaces aspartic acid, which is acidic and polar, with asparagine, which is neutral and polar, at codon 1290 of the COL4A6 protein (p.Asp1290Asn). This variant is present in population databases (rs368443205, gnomAD 0.01%). This variant has not been reported in the literature in individuals affected with COL4A6-related conditions. ClinVar contains an entry for this variant (Variation ID: 3147631). Invitae Evidence Modeling of protein sequence and biophysical properties (such as structural, functional, and spatial information, amino acid conservation, physicochemical variation, residue mobility, and thermodynamic stability) indicates that this missense variant is not expected to disrupt COL4A6 protein function with a negative predictive value of 80%. In summary, the available evidence is currently insufficient to determine the role of this variant in disease. Therefore, it has been classified as a Variant of Uncertain Significance.

Ambry Genetics
Classification: Likely benign. Last evaluated: 2023-12-09. Review status: criteria provided, single submitter. Criteria: Ambry Variant Classification Scheme 2023. Collection method: clinical testing. Allele origin: germline.

NM_033641.4(COL4A6):c.3865G>A (p.Asp1289Asn)

Gene: COL4A6 (collagen type IV alpha 6 chain; minus strand). Cytogenetic location: Xq22.3.
Variant type: single nucleotide variant.
Coding change: c.3865G>A on transcript NM_033641.4 (MANE Select); coding-DNA position 3865, G replaced by A.
Protein change: p.Asp1289Asn; replaces aspartic acid 1289 with asparagine.
Molecular consequence: missense variant.
Genome position (GRCh38, 1-based): chrX:108,164,982, C>T on the plus strand (G>A on the coding strand, the complement: COL4A6 is on the minus strand). VCF-style: chrX-108164982-C-T. GRCh37 (hg19) VCF-style: chrX-107408212-C-T.
Other names: c.3916G>A, p.Asp1306Asn (NM_001287758.2); c.3793G>A, p.Asp1265Asn (NM_001287759.2, NM_001287760.2); c.3868G>A, p.Asp1290Asn (NM_001847.4); short protein forms D1289N, D1290N, D1306N, D1265N.
Identifiers: ClinVar variation 3147631 (VCV003147631.2), dbSNP rs368443205, ClinGen allele CA10487306.